The following is an entry in ClinVar:

NM_000751.3(CHRND):c.647G>A (p.Arg216Gln)

Gene: CHRND (cholinergic receptor nicotinic delta subunit; plus strand). Cytogenetic location: 2q37.1.
Variant type: single nucleotide variant.
Coding change: c.647G>A on transcript NM_000751.3 (MANE Select); coding-DNA position 647, G replaced by A.
Protein change: p.Arg216Gln; replaces arginine 216 with glutamine.
Molecular consequence: missense variant. On other transcripts: intron variant (1).
Genome position (GRCh38, 1-based): chr2:232,529,966, G>A. VCF-style: chr2-232529966-G-A. GRCh37 (hg19) VCF-style: chr2-233394676-G-A.
Other names: c.602G>A, p.Arg201Gln (NM_001256657.2); c.344G>A, p.Arg115Gln (NM_001311196.2); c.238+1310G>A (NM_001311195.2); short protein forms R216Q, R201Q, R115Q.
Identifiers: ClinVar variation 579890 (VCV000579890.11), dbSNP rs746959201, ClinGen allele CA2168109.
Genomic context (GRCh38, chr2:232,529,966, plus strand): 5'-CCTGACCCTAAGATGTCCATGTGCCGCCCTCAGAGAACGGGGAGTGGGAGATAGTCCACC[G>A]GCCGGCCAGGGTCAACGTGGACCCCAGAGCCCCTCTGGACAGCCCCAGCCGCCAGGACAT-3'
Protein context (NP_000742.1, residues 206-226): TENGEWEIVH[Arg216Gln]PARVNVDPRA

ClinVar aggregate classification (germline): Uncertain significance (1 of 4 stars; one submission).

Conditions:
Lethal multiple pterygium syndrome (LMPS). Identifiers: Orphanet 33108, MedGen C1854678, MONDO:0009668, OMIM 253290.

Allele frequency attached by ClinVar (database versions not stated): gnomAD 0.00001; TOPMed 0.00002.
gnomAD v4.1: 18 of 1,613,888 alleles (0.0011%); highest among the groups gnomAD compares: East Asian, 0.0067%; no homozygotes.

Submission:

Labcorp Genetics (formerly Invitae), Labcorp
Classification: Uncertain significance for Lethal multiple pterygium syndrome. Last evaluated: 2025-01-20. Review status: criteria provided, single submitter. Criteria: Invitae Variant Classification Sherloc (09022015). Collection method: clinical testing. Allele origin: germline.
Comment: This sequence change replaces arginine, which is basic and polar, with glutamine, which is neutral and polar, at codon 216 of the CHRND protein (p.Arg216Gln). This variant is present in population databases (rs746959201, gnomAD 0.02%). This variant has not been reported in the literature in individuals affected with CHRND-related conditions. ClinVar contains an entry for this variant (Variation ID: 579890). Invitae Evidence Modeling of protein sequence and biophysical properties (such as structural, functional, and spatial information, amino acid conservation, physicochemical variation, residue mobility, and thermodynamic stability) has been performed for this missense variant. However, the output from this modeling did not meet the statistical confidence thresholds required to predict the impact of this variant on CHRND protein function. In summary, the available evidence is currently insufficient to determine the role of this variant in disease. Therefore, it has been classified as a Variant of Uncertain Significance.